The following is an entry in ClinVar:

NM_001903.5(CTNNA1):c.811C>G (p.Gln271Glu)

Gene: CTNNA1 (catenin alpha 1; plus strand). Cytogenetic location: 5q31.2.
Variant type: single nucleotide variant.
Coding change: c.811C>G on transcript NM_001903.5 (MANE Select); coding-DNA position 811, C replaced by G.
Protein change: p.Gln271Glu; replaces glutamine 271 with glutamic acid.
Molecular consequence: missense variant.
Genome position (GRCh38, 1-based): chr5:138,824,752, C>G. VCF-style: chr5-138824752-C-G. GRCh37 (hg19) VCF-style: chr5-138160441-C-G.
Other names: c.811C>G, p.Gln271Glu (NM_001290307.3, NM_001323982.2, NM_001323983.1 and 3 more transcripts); c.502C>G, p.Gln168Glu (NM_001290309.3); c.442C>G, p.Gln148Glu (NM_001290310.3); c.811C>G (NM_001903.2); short protein forms Q168E, Q148E, Q271E.
Identifiers: ClinVar variation 3681613 (VCV003681613.3).
Genomic context (GRCh38, chr5:138,824,752, plus strand): 5'-GCGGTCACAGGCATTTCCAATGCAGCCCAGGCCACTGCCTCAGACGATGCCTCACAGCAC[C>G]AGGGTGGAGGAGGAGGAGAACTGGCATATGCACTCAATAACTTTGACGTAAGTTATGCTT-3'
Protein context (NP_001894.2, residues 261-281): ATASDDASQH[Gln271Glu]GGGGGELAYA

ClinVar aggregate classification (germline): Uncertain significance. Review status: criteria provided, multiple submitters, no conflicts (2 of 4 stars). 2 submissions from 2 submitters: Uncertain significance (2). Last evaluated 2025-06-02.

Conditions:
Hereditary cancer-predisposing syndrome. Also called: Tumor predisposition; Neoplastic Syndromes, Hereditary; Hereditary Cancer Syndrome; Hereditary neoplastic syndrome. Identifiers: Orphanet 140162, MedGen C0027672, MeSH D009386, MONDO:0015356.

Submissions (2):

Ambry Genetics
Classification: Uncertain significance for Hereditary cancer-predisposing syndrome. Last evaluated: 2025-06-02. Review status: criteria provided, single submitter. Criteria: Ambry Variant Classification Scheme 2023. Collection method: clinical testing. Allele origin: germline.
Comment: The p.Q271E variant (also known as c.811C>G), located in coding exon 5 of the CTNNA1 gene, results from a C to G substitution at nucleotide position 811. The glutamine at codon 271 is replaced by glutamic acid, an amino acid with highly similar properties. This amino acid position is conserved. In addition, this alteration is predicted to be tolerated by in silico analysis. Based on the available evidence, the clinical significance of this variant remains unclear.

Labcorp Genetics (formerly Invitae), Labcorp
Classification: Uncertain significance. Last evaluated: 2024-05-22. Review status: criteria provided, single submitter. Criteria: Invitae Variant Classification Sherloc (09022015). Collection method: clinical testing. Allele origin: germline.
Comment: This sequence change replaces glutamine, which is neutral and polar, with glutamic acid, which is acidic and polar, at codon 271 of the CTNNA1 protein (p.Gln271Glu). This variant is not present in population databases (gnomAD no frequency). This variant has not been reported in the literature in individuals affected with CTNNA1-related conditions. An algorithm developed to predict the effect of missense changes on protein structure and function (PolyPhen-2) suggests that this variant is likely to be tolerated. In summary, the available evidence is currently insufficient to determine the role of this variant in disease. Therefore, it has been classified as a Variant of Uncertain Significance.